The following is an entry in ClinVar:

NM_032229.3(SLITRK6):c.403C>T (p.Leu135=)

Gene: SLITRK6 (SLIT and NTRK like family member 6; minus strand). Cytogenetic location: 13q31.1.
Variant type: single nucleotide variant.
Coding change: c.403C>T on transcript NM_032229.3 (MANE Select); coding-DNA position 403, C replaced by T.
Protein change: p.Leu135=; no amino-acid change (leucine 135 retained).
Molecular consequence: synonymous variant.
Genome position (GRCh38, 1-based): chr13:85,796,106, G>A on the plus strand (C>T on the coding strand, the complement: SLITRK6 is on the minus strand). VCF-style: chr13-85796106-G-A. GRCh37 (hg19) VCF-style: chr13-86370241-G-A.
Identifiers: ClinVar variation 666757 (VCV000666757.9), dbSNP rs200025237, ClinGen allele CA7015277.

ClinVar aggregate classification (germline): Benign/Likely benign. Review status: criteria provided, multiple submitters, no conflicts (2 of 4 stars). 4 submissions from 4 submitters: Benign (1); Likely benign (3). Last evaluated 2025-08-29.

Allele frequency attached by ClinVar (database versions not stated): gnomAD 0.00003 and 0.00007; TOPMed 0.00005; 1000 Genomes Project 0.00060; 1000 Genomes Project 30x 0.00078.

Submissions (4):

Labcorp Genetics (formerly Invitae), Labcorp
Classification: Benign. Last evaluated: 2025-08-29. Review status: criteria provided, single submitter. Criteria: Invitae Variant Classification Sherloc (09022015). Collection method: clinical testing. Allele origin: germline.

Blueprint Genetics
Classification: Likely benign. Last evaluated: 2023-07-12. Review status: criteria provided, single submitter. Criteria: ACMG Guidelines, 2015. Collection method: clinical testing. Allele origin: germline.

GeneDx
Classification: Likely benign. Last evaluated: 2020-10-06. Review status: criteria provided, single submitter. Criteria: GeneDx Variant Classification Process June 2021. Collection method: clinical testing. Allele origin: germline. Affected: yes.

Laboratory for Molecular Medicine, Mass General Brigham Personalized Medicine
Classification: Likely benign. Last evaluated: 2017-08-23. Review status: criteria provided, single submitter. Criteria: LMM Criteria. Collection method: clinical testing. Allele origin: germline. Observed: 1 variant allele.
Comment: p.Leu135Leu in exon 2 of SLITRK6: This variant is not expected to have clinical significance because it does not alter an amino acid residue and is not located within the splice consensus sequence. It has been identified in 0.33% (28/8548) of East Asian chromosomes by the Exome Aggregation Consortium (ExAC .; dbSNP rs200025237).